The following is an entry in ClinVar:

ClinVar aggregate classification (germline): Pathogenic. Review status: criteria provided, multiple submitters, no conflicts (2 of 4 stars). 2 submissions from 2 submitters: Pathogenic (2). Last evaluated 2025-03-06.

Conditions:
Branchiootic syndrome 1 (BOS1). Also called: BO SYNDROME 1; BRANCHIOOTIC DYSPLASIA. Identifiers: MedGen C1865143, MONDO:0011258, OMIM 602588.

Submissions (2):

GeneDx
Classification: Pathogenic. Last evaluated: 2025-03-06. Review status: criteria provided, single submitter. Criteria: GeneDx Variant Classification Process June 2021. Collection method: clinical testing. Allele origin: germline.
Comment: Not observed at significant frequency in large population cohorts (gnomAD); Frameshift variant predicted to result in protein truncation or nonsense mediated decay in a gene for which loss of function is a known mechanism of disease; This variant is associated with the following publications: (PMID: 31427586)

3billion
Classification: Pathogenic for Branchiootic syndrome 1. Last evaluated: 2025-02-16. Review status: criteria provided, single submitter. Criteria: ACMG Guidelines, 2015. Collection method: clinical testing. Allele origin: germline. Affected: yes.
Comment: The variant is not observed in the gnomAD v4.1.0 dataset. Predicted Consequence/Location: Frameshift: predicted to result in a loss or disruption of normal protein function through nonsense-mediated decay (NMD) or protein truncation. Multiple pathogenic variants are reported downstream of the variant. The variant has been previously reported as de novo in a similarly affected individual (PMID: 31427586). The variant has been reported to be associated with EYA1-related disorder (ClinVar ID: VCV003340777 /PMID: 31427586). Therefore, this variant is classified as Pathogenic according to the recommendation of ACMG/AMP guideline.

Literature cited by the submitters: PubMed 31427586 (cited by 3billion).

NM_000503.6(EYA1):c.1254_1255del (p.Cys419fs)

Gene: EYA1 (EYA transcriptional coactivator and phosphatase 1; minus strand). Cytogenetic location: 8q13.3.
Variant type: Deletion.
Coding change: c.1254_1255del on transcript NM_000503.6 (MANE Select); coding-DNA positions 1254 to 1255, 2 bases deleted (AT; older notation c.1254_1255delAT).
Protein change: p.Cys419fs; shifts the reading frame from cysteine 419.
Molecular consequence: frameshift variant.
Genome position (GRCh38, 1-based): chr8:71,216,797-71,216,798, AT deleted on the plus strand (AT on the coding strand, the reverse complement: EYA1 is on the minus strand); deleting any 2 consecutive bases within chr8:71,216,797-71,216,799 gives the same sequence; the c. name uses the placement nearest the transcript's 3' end. VCF-style (leftmost placement, unchanged base first): chr8-71216796-CAT-C. GRCh37 (hg19) VCF-style: chr8-72129031-CAT-C.
Other names: c.1236_1237del, p.Cys413fs (NM_001288574.2, NM_172059.5); c.888_889del, p.Cys297fs (NM_001288575.2); c.1341_1342del, p.Cys448fs (NM_001370333.1); c.1254_1255del, p.Cys419fs (NM_001370334.1, NM_001370335.1, NM_172058.4); c.1233_1234del, p.Cys412fs (NM_001370336.1); c.1155_1156del, p.Cys386fs (NM_001411797.1, NM_172060.4); short protein forms C297fs, C386fs, C412fs, C413fs, C419fs, C448fs.
Identifiers: ClinVar variation 3340777 (VCV003340777.3).
Genomic context (GRCh38, chr8:71,216,796, plus strand): 5'-CTGTAGCGGAAGGCCAACTTTCTCATCCAGTCCACACCGCCCCGTACACCAGTTGCCAAA[CAT>C]AAGTTAGCACTGGTTGCTGCAGCAGGAAAGCCATCTGTTCCAAAGTTATATGTGCTATTT-3'